The following is an entry in ClinVar:

NM_003128.3(SPTBN1):c.2581T>C (p.Cys861Arg)

Gene: SPTBN1 (spectrin beta, non-erythrocytic 1; plus strand). Cytogenetic location: 2p16.2.
Variant type: single nucleotide variant.
Coding change: c.2581T>C on transcript NM_003128.3 (MANE Select); coding-DNA position 2581, T replaced by C.
Protein change: p.Cys861Arg; replaces cysteine 861 with arginine.
Molecular consequence: missense variant.
Genome position (GRCh38, 1-based): chr2:54,629,715, T>C. VCF-style: chr2-54629715-T-C. GRCh37 (hg19) VCF-style: chr2-54856852-T-C.
Other names: c.2542T>C, p.Cys848Arg (NM_178313.3); short protein forms C848R, C861R.
Identifiers: ClinVar variation 2431609 (VCV002431609.2), dbSNP rs780940173, ClinGen allele CA1660652.
Genomic context (GRCh38, chr2:54,629,715, plus strand): 5'-CGGAAGCAGGCACTCCAGGACACTCTGGCCCTGTACAAGATGTTCAGCGAGGCTGATGCC[T>C]GTGAGCTCTGGATCGACGAGAAGGAGCAGTGGCTCAACAACATGCAGATCCCAGAGAAGC-3'
Protein context (NP_003119.2, residues 851-871): LYKMFSEADA[Cys861Arg]ELWIDEKEQW

ClinVar aggregate classification (germline): Uncertain significance (1 of 4 stars; one submission).

Conditions:
Developmental delay, impaired speech, and behavioral abnormalities. Identifiers: MedGen C5561957, MONDO:0859178, OMIM 619475.

Allele frequency attached by ClinVar (database versions not stated): gnomAD exomes below 0.00001; TOPMed below 0.00001; ExAC 0.00001; gnomAD 0.00001.
gnomAD v4.1: 4 of 1,613,226 alleles (0.00025%); highest among the groups gnomAD compares: Non-Finnish European, 0.00034%; no homozygotes.

Submission:

Laboratorio de Genetica e Diagnostico Molecular, Hospital Israelita Albert Einstein
Classification: Uncertain significance for Developmental delay, impaired speech, and behavioral abnormalities. Last evaluated: 2023-01-20. Review status: criteria provided, single submitter. Criteria: ACMG Guidelines, 2015. Collection method: clinical testing. Allele origin: germline. Affected: yes.
Comment: ACMG classification criteria: PM2 supporting, PP3 supporting